The following is an entry in ClinVar:

NM_000274.4(OAT):c.96A>C (p.Lys32Asn)

Gene: OAT (ornithine aminotransferase; minus strand). Cytogenetic location: 10q26.13.
Variant type: single nucleotide variant.
Coding change: c.96A>C on transcript NM_000274.4 (MANE Select); coding-DNA position 96, A replaced by C.
Protein change: p.Lys32Asn; replaces lysine 32 with asparagine.
Molecular consequence: missense variant. On other transcripts: intron variant (2).
Genome position (GRCh38, 1-based): chr10:124,412,076, T>G on the plus strand (A>C on the coding strand, the complement: OAT is on the minus strand). VCF-style: chr10-124412076-T-G. GRCh37 (hg19) VCF-style: chr10-126100645-T-G.
Other names: c.96A>C, p.Lys32Asn (NM_001322965.2, NM_001322966.2, NM_001322967.2 and 4 more transcripts); c.-215-3111A>C (NM_001171814.2); c.-515-3111A>C (NM_001322974.2); short protein forms K32N.
Identifiers: ClinVar variation 1482245 (VCV001482245.5), dbSNP rs978283946, ClinGen allele CA215257152.

ClinVar aggregate classification (germline): Uncertain significance (1 of 4 stars; one submission).

Conditions:
Ornithine aminotransferase deficiency (GACR). Also called: HYPERORNITHINEMIA WITH GYRATE ATROPHY OF CHOROID AND RETINA; Ornithine ketoacid aminotransferase deficiency; Gyrate atrophy; Gyrate atrophy of choroid and retina; Girate atrophy of the retina; OAT DEFICIENCY. Identifiers: Orphanet 414, MedGen C0018425, MONDO:0009796, OMIM 258870.

Submission:

Labcorp Genetics (formerly Invitae), Labcorp
Classification: Uncertain significance for Ornithine aminotransferase deficiency. Last evaluated: 2022-08-20. Review status: criteria provided, single submitter. Criteria: Invitae Variant Classification Sherloc (09022015). Collection method: clinical testing. Allele origin: germline.
Comment: This sequence change replaces lysine, which is basic and polar, with asparagine, which is neutral and polar, at codon 32 of the OAT protein (p.Lys32Asn). This variant is not present in population databases (gnomAD no frequency). This variant has not been reported in the literature in individuals affected with OAT-related conditions. ClinVar contains an entry for this variant (Variation ID: 1482245). Algorithms developed to predict the effect of missense changes on protein structure and function are either unavailable or do not agree on the potential impact of this missense change (SIFT: "Tolerated"; PolyPhen-2: "Possibly Damaging"; Align-GVGD: "Class C0"). In summary, the available evidence is currently insufficient to determine the role of this variant in disease. Therefore, it has been classified as a Variant of Uncertain Significance.